The following is an entry in ClinVar:

ClinVar aggregate classification (germline): Uncertain significance (1 of 4 stars; one submission).

Conditions:
Hereditary sensory neuropathy-deafness-dementia syndrome. Also called: Hereditary sensory neuropathy type IE; NEUROPATHY, HEREDITARY SENSORY, WITH HEARING LOSS AND DEMENTIA; Hereditary Sensory and Autonomic Neuropathy Type 1E (HSAN1E); HSN IE. Identifiers: Orphanet 456318, MedGen C3279885, MONDO:0013584, OMIM 614116.

Allele frequency attached by ClinVar (database versions not stated): gnomAD exomes below 0.00001; TOPMed 0.00001.
gnomAD v4.1: 2 of 1,612,486 alleles (0.00012%); highest among the groups gnomAD compares: Non-Finnish European, 0.00017%; no homozygotes.

Submission:

Labcorp Genetics (formerly Invitae), Labcorp
Classification: Uncertain significance for Hereditary sensory neuropathy-deafness-dementia syndrome. Last evaluated: 2024-02-11. Review status: criteria provided, single submitter. Criteria: Invitae Variant Classification Sherloc (09022015). Collection method: clinical testing. Allele origin: germline.
Comment: This sequence change falls in intron 19 of the DNMT1 gene. It does not directly change the encoded amino acid sequence of the DNMT1 protein. It affects a nucleotide within the consensus splice site. This variant is not present in population databases (gnomAD no frequency). This variant has not been reported in the literature in individuals affected with DNMT1-related conditions. ClinVar contains an entry for this variant (Variation ID: 851189). Variants that disrupt the consensus splice site are a relatively common cause of aberrant splicing (PMID: 17576681, 9536098). Algorithms developed to predict the effect of sequence changes on RNA splicing suggest that this variant is not likely to affect RNA splicing. In summary, the available evidence is currently insufficient to determine the role of this variant in disease. Therefore, it has been classified as a Variant of Uncertain Significance.

Literature cited by the submitters: PubMed 17576681; PubMed 9536098.

NM_001130823.3(DNMT1):c.1492+6T>C

Gene: DNMT1 (DNA methyltransferase 1; minus strand). Cytogenetic location: 19p13.2.
Variant type: single nucleotide variant.
Coding change: c.1492+6T>C on transcript NM_001130823.3 (MANE Select); 6 bases into the intron after coding-DNA position 1492, T replaced by C.
Molecular consequence: intron variant.
Genome position (GRCh38, 1-based): chr19:10,155,847, A>G on the plus strand (T>C on the coding strand, the complement: DNMT1 is on the minus strand). VCF-style: chr19-10155847-A-G. GRCh37 (hg19) VCF-style: chr19-10266523-A-G.
Other names: c.1129+6T>C (NM_001318731.2); c.1444+6T>C (NM_001379.4, NM_001318730.2).
Identifiers: ClinVar variation 851189 (VCV000851189.9), dbSNP rs1451637462, ClinGen allele CA783144396.